The following is an entry in ClinVar:

NM_025137.4(SPG11):c.3894C>T (p.Ala1298=)

Gene: SPG11 (SPG11 vesicle trafficking associated, spatacsin; minus strand). Cytogenetic location: 15q21.1.
Variant type: single nucleotide variant.
Coding change: c.3894C>T on transcript NM_025137.4 (MANE Select); coding-DNA position 3894, C replaced by T.
Protein change: p.Ala1298=; no amino-acid change (alanine 1298 retained).
Molecular consequence: synonymous variant.
Genome position (GRCh38, 1-based): chr15:44,598,372, G>A on the plus strand (C>T on the coding strand, the complement: SPG11 is on the minus strand). VCF-style: chr15-44598372-G-A. GRCh37 (hg19) VCF-style: chr15-44890570-G-A.
Other names: c.3894C>T, p.Ala1298= (NM_001160227.2).
Identifiers: ClinVar variation 699324 (VCV000699324.38), dbSNP rs1352070054, ClinGen allele CA490207339.
Genomic context (GRCh38, chr15:44,598,372, plus strand): 5'-GAGAACAAGCAATTCTTCTGTGGTTGTCTTTTCACCATCAGCTAGTTTAGATAGTTTTTC[G>A]GCTGTAAGAAATATAAACAACAAAATATGGTGAAGAGAAAAAGTCAAAACCTGAGCATTT-3'
Protein context (NP_079413.3, residues 1288-1308): AQYSFIRESV[Ala1298=]EKLSKLADGE

ClinVar aggregate classification (germline): Conflicting classifications of pathogenicity. Review status: criteria provided, conflicting classifications (1 of 4 stars). 3 submissions from 3 submitters: Uncertain significance (1); Likely benign (2). Last evaluated 2025-08-11.

Conditions:
SPG11-related disorder. Also called: SPG11-related condition.
Hereditary spastic paraplegia 11. Also called: Spastic paraplegia, mental retardation and thin corpus callosum; Spastic Paraplegia 11; SPASTIC PARAPLEGIA, AUTOSOMAL RECESSIVE, COMPLICATED, WITH THIN CORPUS CALLOSUM; SPASTIC PARAPLEGIA, AUTOSOMAL RECESSIVE, WITH MENTAL IMPAIRMENT AND THIN CORPUS CALLOSUM; Nakamura Osame syndrome; Autosomal recessive hereditary spastic paraplegia, mental impairment, and thin corpus callosum. Identifiers: Orphanet 2822, MedGen C1858479, MONDO:0011445, OMIM 604360.

Allele frequency attached by ClinVar (database versions not stated): TOPMed 0.00002; gnomAD 0.00003; gnomAD exomes 0.00003.
gnomAD v4.1: 57 of 1,612,784 alleles (0.0035%); highest among the groups gnomAD compares: Non-Finnish European, 0.0044%; no homozygotes.

Submissions (3):

Labcorp Genetics (formerly Invitae), Labcorp
Classification: Likely benign for Hereditary spastic paraplegia 11. Last evaluated: 2025-08-11. Review status: criteria provided, single submitter. Criteria: Invitae Variant Classification Sherloc (09022015). Collection method: clinical testing. Allele origin: germline.

PreventionGenetics, part of Exact Sciences
Classification: Likely benign for SPG11-related condition. Last evaluated: 2025-07-10. Review status: criteria provided, single submitter. Criteria: ACMG Guidelines, 2015. Collection method: clinical testing. Allele origin: germline.
Comment: This variant is classified as likely benign based on ACMG/AMP sequence variant interpretation guidelines (Richards et al. 2015 PMID: 25741868, with internal and published modifications).

CeGaT Center for Human Genetics Tuebingen
Classification: Uncertain significance. Last evaluated: 2023-05-01. Review status: criteria provided, single submitter. Criteria: CeGaT Center For Human Genetics Tuebingen Variant Classification Criteria Version 2. Collection method: clinical testing. Allele origin: germline. Affected: yes. Observed: 1 variant allele.
Comment: SPG11: PM2, BP4